The following is an entry in ClinVar:

NM_002382.5(MAX):c.412T>A (p.Ser138Thr)

Gene: MAX (MYC associated transcriptional regulator X; minus strand). Cytogenetic location: 14q23.3.
Variant type: single nucleotide variant.
Coding change: c.412T>A on transcript NM_002382.5 (MANE Select); coding-DNA position 412, T replaced by A.
Protein change: p.Ser138Thr; replaces serine 138 with threonine.
Molecular consequence: missense variant. On other transcripts: 3 prime UTR variant (12), non-coding transcript variant (7), intron variant (2).
Genome position (GRCh38, 1-based): chr14:65,076,547, A>T on the plus strand (T>A on the coding strand, the complement: MAX is on the minus strand). VCF-style: chr14-65076547-A-T. GRCh37 (hg19) VCF-style: chr14-65543265-A-T.
Other names: c.223T>A, p.Ser75Thr (NM_001320415.2, NM_001407105.1, NM_001407106.1 and 1 more transcripts); c.412T>A, p.Ser138Thr (NM_001407094.1); c.385T>A, p.Ser129Thr (NM_001407095.1, NM_145112.3); c.*185T>A (NM_001407096.1, NM_001407099.1, NM_001407102.1 and 2 more transcripts); c.*201T>A (NM_001407097.1, NM_001407100.1, NM_001407101.1 and 4 more transcripts); c.304T>A, p.Ser102Thr (NM_001407098.1); c.211T>A, p.Ser71Thr (NM_001407111.1, NM_001407112.1); c.144+17161T>A (NM_001271069.2); and 1 more; short protein forms S102T, S129T, S138T, S71T, S75T.
Identifiers: ClinVar variation 4859545 (VCV004859545.1).

ClinVar aggregate classification (germline): Uncertain significance (1 of 4 stars; one submission).

Conditions:
Hereditary cancer-predisposing syndrome. Also called: Neoplastic Syndromes, Hereditary; Tumor predisposition; Hereditary Cancer Syndrome; Hereditary neoplastic syndrome. Identifiers: Orphanet 140162, MedGen C0027672, MeSH D009386, MONDO:0015356.

Submission:

Ambry Genetics
Classification: Uncertain significance for Hereditary cancer-predisposing syndrome. Last evaluated: 2026-04-12. Review status: criteria provided, single submitter. Criteria: Ambry Variant Classification Scheme 2023. Collection method: clinical testing. Allele origin: germline.
Comment: The p.S138T variant (also known as c.412T>A), located in coding exon 5 of the MAX gene, results from a T to A substitution at nucleotide position 412. The serine at codon 138 is replaced by threonine, an amino acid with similar properties. This amino acid position is conserved. In addition, this alteration is predicted to be deleterious by in silico analysis. Based on the available evidence, the clinical significance of this variant remains unclear.